The following is an entry in ClinVar:

NM_002875.5(RAD51):c.334C>A (p.Leu112Ile)

Gene: RAD51 (RAD51 recombinase; plus strand). Cytogenetic location: 15q15.1.
Variant type: single nucleotide variant.
Coding change: c.334C>A on transcript NM_002875.5 (MANE Select); coding-DNA position 334, C replaced by A.
Protein change: p.Leu112Ile; replaces leucine 112 with isoleucine.
Molecular consequence: missense variant. On other transcripts: intron variant (2).
Genome position (GRCh38, 1-based): chr15:40,706,285, C>A. VCF-style: chr15-40706285-C-A. GRCh37 (hg19) VCF-style: chr15-40998483-C-A.
Other names: c.334C>A, p.Leu112Ile (NM_001164270.2); c.347-2740C>A (NM_133487.4, NM_001164269.2); short protein forms L112I.
Identifiers: ClinVar variation 1730495 (VCV001730495.2), dbSNP rs768873069, ClinGen allele CA7483973.

ClinVar aggregate classification (germline): Uncertain significance (1 of 4 stars; one submission).

Conditions:
Inborn genetic diseases. Identifiers: MedGen C0950123, MeSH D030342.

Allele frequency attached by ClinVar (database versions not stated): gnomAD exomes below 0.00001; gnomAD 0.00001; ExAC 0.00002.
gnomAD v4.1: 4 of 1,606,864 alleles (0.00025%); highest among the groups gnomAD compares: Non-Finnish European, 0.00026%; no homozygotes.

Submission:

Ambry Genetics
Classification: Uncertain significance for Inborn genetic diseases. Last evaluated: 2022-10-04. Review status: criteria provided, single submitter. Criteria: Ambry Variant Classification Scheme 2023. Collection method: clinical testing. Allele origin: germline.
Comment: The p.L112I variant (also known as c.334C>A), located in coding exon 3 of the RAD51 gene, results from a C to A substitution at nucleotide position 334. The leucine at codon 112 is replaced by isoleucine, an amino acid with highly similar properties. This amino acid position is conserved. In addition, this alteration is predicted to be tolerated by in silico analysis. Since supporting evidence is limited at this time, the clinical significance of this alteration remains unclear.